The following is an entry in ClinVar:

ClinVar aggregate classification (germline): Uncertain significance (1 of 4 stars; one submission).

Submission:

Ambry Genetics
Classification: Uncertain significance. Last evaluated: 2023-11-09. Review status: criteria provided, single submitter. Criteria: Ambry Variant Classification Scheme 2023. Collection method: clinical testing. Allele origin: germline.
Comment: The p.F620S variant (also known as c.1859T>C), located in coding exon 17 of the PRKDC gene, results from a T to C substitution at nucleotide position 1859. The phenylalanine at codon 620 is replaced by serine, an amino acid with highly dissimilar properties. This amino acid position is conserved. In addition, the in silico prediction for this alteration is inconclusive. Since supporting evidence is limited at this time, the clinical significance of this alteration remains unclear.

NM_006904.7(PRKDC):c.1859T>C (p.Phe620Ser)

Gene: PRKDC (protein kinase, DNA-activated, catalytic subunit; minus strand). Cytogenetic location: 8q11.21.
Variant type: single nucleotide variant.
Coding change: c.1859T>C on transcript NM_006904.7 (MANE Select); coding-DNA position 1859, T replaced by C.
Protein change: p.Phe620Ser; replaces phenylalanine 620 with serine.
Molecular consequence: missense variant.
Genome position (GRCh38, 1-based): chr8:47,930,705, A>G on the plus strand (T>C on the coding strand, the complement: PRKDC is on the minus strand). VCF-style: chr8-47930705-A-G. GRCh37 (hg19) VCF-style: chr8-48843265-A-G.
Other names: c.1859T>C, p.Phe620Ser (NM_001081640.2); short protein forms F620S.
Identifiers: ClinVar variation 3225763 (VCV003225763.1), dbSNP rs2551878764, ClinGen allele CA371164690.
Genomic context (GRCh38, chr8:47,930,705, plus strand): 5'-TTAAATAATTAGAATTTTACCAAATACCTGCAAAATTCCACCAGGTTAATGAAAGCCGAA[A>G]AATCTTTAGGTTTAGCTGGATGCAAGTTAGCCGCTGGATCTGAAGTTGGGATCATCCAAA-3'
Protein context (NP_008835.5, residues 610-630): ANLHPAKPKD[Phe620Ser]SAFINLVEFC